The following is an entry in ClinVar:

ClinVar aggregate classification (germline): Benign/Likely benign. Review status: criteria provided, multiple submitters, no conflicts (2 of 4 stars). 2 submissions from 2 submitters: Benign (1); Likely benign (1). Last evaluated 2024-08-02.

Allele frequency attached by ClinVar (database versions not stated): gnomAD exomes below 0.00001; ExAC 0.00001.
gnomAD v4.1: 2 of 1,614,146 alleles (0.00012%); highest among the groups gnomAD compares: South Asian, 0.0011%; no homozygotes.

Submissions (2):

Women's Health and Genetics/Laboratory Corporation of America, LabCorp
Classification: Likely benign. Last evaluated: 2024-08-02. Review status: criteria provided, single submitter. Criteria: LabCorp Variant Classification Summary - May 2015. Collection method: clinical testing. Allele origin: germline.
Comment: Variant summary: KAT6A c.5361C>T alters a non-conserved nucleotide resulting in a synonymous change. Consensus agreement among computation tools predict no significant impact on normal splicing. However, these predictions have yet to be confirmed by functional studies. The variant allele was found at a frequency of 8e-06 in 251472 control chromosomes. The available data on variant occurrences in the general population are insufficient to allow any conclusion about variant significance. To our knowledge, no occurrence of c.5361C>T in individuals affected with Arboleda-Tham Syndrome and no experimental evidence demonstrating its impact on protein function have been reported. ClinVar contains an entry for this variant (Variation ID: 2759219). Based on the evidence outlined above, the variant was classified as likely benign.

Labcorp Genetics (formerly Invitae), Labcorp
Classification: Benign. Last evaluated: 2023-09-09. Review status: criteria provided, single submitter. Criteria: Invitae Variant Classification Sherloc (09022015). Collection method: clinical testing. Allele origin: germline.

NM_006766.5(KAT6A):c.5361C>T (p.Ser1787=)

Gene: KAT6A (lysine acetyltransferase 6A; minus strand). Cytogenetic location: 8p11.21.
Variant type: single nucleotide variant.
Coding change: c.5361C>T on transcript NM_006766.5 (MANE Select); coding-DNA position 5361, C replaced by T.
Protein change: p.Ser1787=; no amino-acid change (serine 1787 retained).
Molecular consequence: synonymous variant.
Genome position (GRCh38, 1-based): chr8:41,932,859, G>A on the plus strand (C>T on the coding strand, the complement: KAT6A is on the minus strand). VCF-style: chr8-41932859-G-A. GRCh37 (hg19) VCF-style: chr8-41790377-G-A.
Identifiers: ClinVar variation 2759219 (VCV002759219.4), dbSNP rs749303336, ClinGen allele CA4729318.